The following is an entry in ClinVar:

NM_144997.7(FLCN):c.619-8C>T

Gene: FLCN (folliculin; minus strand). Cytogenetic location: 17p11.2.
Variant type: single nucleotide variant.
Coding change: c.619-8C>T on transcript NM_144997.7 (MANE Select); 8 bases into the intron before coding-DNA position 619, C replaced by T.
Molecular consequence: intron variant.
Genome position (GRCh38, 1-based): chr17:17,222,669, G>A on the plus strand (C>T on the coding strand, the complement: FLCN is on the minus strand). VCF-style: chr17-17222669-G-A. GRCh37 (hg19) VCF-style: chr17-17125983-G-A.
Other names: c.619-8C>T (NM_001353231.2, NM_001353230.2, NM_144606.7); c.673-8C>T (NM_001353229.2).
Identifiers: ClinVar variation 1087387 (VCV001087387.9), dbSNP rs1274815686, ClinGen allele CA625314084.

ClinVar aggregate classification (germline): Likely benign. Review status: criteria provided, multiple submitters, no conflicts (2 of 4 stars). 3 submissions from 3 submitters: Likely benign (3). Last evaluated 2024-10-23.

Conditions:
Birt-Hogg-Dube syndrome 1 (BHD1). Also called: FIBROFOLLICULOMAS WITH TRICHODISCOMAS AND ACROCHORDONS. Identifiers: Orphanet 122, MedGen CN375946, MONDO:0800445, OMIM 135150.
17p11.2 microduplication syndrome (PTLS). Also called: CHROMOSOME 17p11.2 DUPLICATION SYNDROME; Potocki-Lupski syndrome; Duplication 17p11.2 syndrome; Potocki-Lupski syndrome (dup(17)(p11.2p11.2)). Identifiers: Orphanet 1713, MedGen C2931246, MONDO:0012574, OMIM 610883.
Familial spontaneous pneumothorax (PSP). Identifiers: Orphanet 2903, MedGen C1868193, MONDO:0008259, OMIM 173600.
Colorectal cancer. Also called: Malignant Colorectal Neoplasm; Colorectal cancer, somatic. Identifiers: MedGen C0346629, MONDO:0005575, OMIM 114500.
Birt-Hogg-Dube syndrome. Also called: Birt Hogg Dubé syndrome. Identifiers: Orphanet 122, MedGen C0346010, MONDO:0800444.
Nonpapillary renal cell carcinoma. Identifiers: Orphanet 422526, MedGen CN074294, MONDO:0007763, OMIM 144700.

Allele frequency attached by ClinVar (database versions not stated): gnomAD exomes below 0.00001; TOPMed below 0.00001; gnomAD 0.00001.

Submissions (3):

Myriad Genetics, Inc.
Classification: Likely benign for Birt-Hogg-Dube syndrome 1. Last evaluated: 2024-10-23. Review status: criteria provided, single submitter. Criteria: Myriad Autosomal Dominant, Autosomal Recessive and X-Linked Classification Criteria (2023). Collection method: clinical testing. Allele origin: unknown.
Comment: This variant is considered likely benign. This variant is intronic and is not expected to impact mRNA splicing.

Labcorp Genetics (formerly Invitae), Labcorp
Classification: Likely benign for Birt-Hogg-Dube syndrome. Last evaluated: 2024-04-25. Review status: criteria provided, single submitter. Criteria: Invitae Variant Classification Sherloc (09022015). Collection method: clinical testing. Allele origin: germline.

Fulgent Genetics
Classification: Likely benign for Colorectal cancer; Birt-Hogg-Dube syndrome 1; Nonpapillary renal cell carcinoma; Familial spontaneous pneumothorax; 17p11.2 microduplication syndrome. Last evaluated: 2022-04-27. Review status: criteria provided, single submitter. Criteria: ACMG Guidelines, 2015. Collection method: clinical testing. Allele origin: unknown.